The following is an entry in ClinVar:

ClinVar aggregate classification (germline): Uncertain significance (1 of 4 stars; one submission).

Submission:

Mayo Clinic Laboratories, Mayo Clinic
Classification: Uncertain significance. Last evaluated: 2023-09-13. Review status: criteria provided, single submitter. Criteria: ACMG Guidelines, 2015. Collection method: clinical testing. Allele origin: germline. Observed: 1 variant allele.
Comment: BP4, PM2_moderate

NM_000108.5(DLD):c.851A>T (p.Lys284Met)

Gene: DLD (dihydrolipoamide dehydrogenase; plus strand). Cytogenetic location: 7q31.1.
Variant type: single nucleotide variant.
Coding change: c.851A>T on transcript NM_000108.5 (MANE Select); coding-DNA position 851, A replaced by T.
Protein change: p.Lys284Met; replaces lysine 284 with methionine.
Molecular consequence: missense variant.
Genome position (GRCh38, 1-based): chr7:107,915,672, A>T. VCF-style: chr7-107915672-A-T. GRCh37 (hg19) VCF-style: chr7-107556117-A-T.
Other names: p.Lys284Met; c.554A>T, p.Lys185Met (NM_001289750.1); c.782A>T, p.Lys261Met (NM_001289751.1); c.707A>T, p.Lys236Met (NM_001289752.1); short protein forms K185M, K236M, K261M, K284M.
Identifiers: ClinVar variation 3379788 (VCV003379788.1).